The following is an entry in ClinVar:

NM_000268.4(NF2):c.1542G>A (p.Met514Ile)

Gene: NF2 (NF2, moesin-ezrin-radixin like (MERLIN) tumor suppressor; plus strand). Cytogenetic location: 22q12.2.
Variant type: single nucleotide variant.
Coding change: c.1542G>A on transcript NM_000268.4 (MANE Select); coding-DNA position 1542, G replaced by A.
Protein change: p.Met514Ile; replaces methionine 514 with isoleucine.
Molecular consequence: missense variant. On other transcripts: non-coding transcript variant (1), intron variant (1).
Genome position (GRCh38, 1-based): chr22:29,678,291, G>A. VCF-style: chr22-29678291-G-A. GRCh37 (hg19) VCF-style: chr22-30074280-G-A.
Other names: c.1428G>A, p.Met476Ile (NM_001407053.1, NM_001407056.1); c.1419G>A, p.Met473Ile (NM_001407054.1, NM_001407058.1, NM_181829.3); c.1416G>A, p.Met472Ile (NM_001407055.1, NM_181828.3); c.1407G>A, p.Met469Ile (NM_001407057.1, NM_001407059.1); c.1542G>A, p.Met514Ile (NM_001407060.1, NM_001407066.1, NM_016418.5 and 2 more transcripts); c.1284G>A, p.Met428Ile (NM_001407062.1); c.1293G>A, p.Met431Ile (NM_001407063.1, NM_001407064.1, NM_181830.3 and 1 more transcripts); c.1008G>A, p.Met336Ile (NM_001407065.1); and 2 more; short protein forms M476I, M431I, M437I, M469I, M473I, M336I, M428I, M472I.
Identifiers: ClinVar variation 3879171 (VCV003879171.1).
Genomic context (GRCh38, chr22:29,678,291, plus strand): 5'-CATACCAAGCTTCAACCTCATTGGTGACAGCCTGTCTTTCGACTTCAAAGATACTGACAT[G>A]AAGCGGCTTTCCATGGAGATAGAGAAAGAAAAGTATGTAGCCCCCTGTGCCCTGCTGTGG-3'
Protein context (NP_000259.1, residues 504-524): SLSFDFKDTD[Met514Ile]KRLSMEIEKE

ClinVar aggregate classification (germline): Uncertain significance (1 of 4 stars; one submission).

Conditions:
Hereditary cancer-predisposing syndrome. Also called: Tumor predisposition; Neoplastic Syndromes, Hereditary; Hereditary Cancer Syndrome; Hereditary neoplastic syndrome. Identifiers: Orphanet 140162, MedGen C0027672, MeSH D009386, MONDO:0015356.

Submission:

Ambry Genetics
Classification: Uncertain significance for Hereditary cancer-predisposing syndrome. Last evaluated: 2025-01-13. Review status: criteria provided, single submitter. Criteria: Ambry Variant Classification Scheme 2023. Collection method: clinical testing. Allele origin: germline.
Comment: The p.M514I variant (also known as c.1542G>A), located in coding exon 14 of the NF2 gene, results from a G to A substitution at nucleotide position 1542. The methionine at codon 514 is replaced by isoleucine, an amino acid with highly similar properties. This amino acid position is conserved. In addition, the in silico prediction for this alteration is inconclusive. Based on the available evidence, the clinical significance of this variant remains unclear.